The following is an entry in ClinVar:

NM_004523.4(KIF11):c.463_475delinsATAGA (p.Ser155fs)

Gene: KIF11 (kinesin family member 11; plus strand). Cytogenetic location: 10q23.33.
Variant type: Indel.
Coding change: c.463_475delinsATAGA on transcript NM_004523.4 (MANE Select); coding-DNA positions 463 to 475, TCAGTCAAAGTGT replaced by ATAGA.
Protein change: p.Ser155fs; shifts the reading frame from serine 155.
Molecular consequence: frameshift variant.
Genome position (GRCh38, 1-based): chr10:92,609,095-92,609,107, TCAGTCAAAGTGT replaced by ATAGA. VCF-style: chr10-92609095-TCAGTCAAAGTGT-ATAGA. GRCh37 (hg19) VCF-style: chr10-94368852-TCAGTCAAAGTGT-ATAGA.
Other names: short protein forms S155fs.
Identifiers: ClinVar variation 3257571 (VCV003257571.17).
Genomic context (GRCh38, chr10:92,609,095, plus strand): 5'-ATAATTCCACGTACCCTTCATCAAATTTTTGAGAAACTTACTGATAATGGTACTGAATTT[TCAGTCAAAGTGT>ATAGA]CTCTGTTGGAGATCTATAATGAAGAGCTTTTTGATCTTCTTAATCCATCATCTGATGTTT-3'

ClinVar aggregate classification (germline): Pathogenic (1 of 4 stars; one submission).

Submission:

CeGaT Center for Human Genetics Tuebingen
Classification: Pathogenic. Last evaluated: 2024-09-01. Review status: criteria provided, single submitter. Criteria: CeGaT Center For Human Genetics Tuebingen Variant Classification Criteria Version 2. Collection method: clinical testing. Allele origin: germline. Affected: yes. Observed: 2 variant alleles.
Comment: KIF11: PVS1, PM2